The following is an entry in ClinVar:

NM_001291867.2(NHS):c.1175G>A (p.Arg392Gln)

Gene: NHS (NHS actin remodeling regulator; plus strand). Cytogenetic location: Xp22.13.
Variant type: single nucleotide variant.
Coding change: c.1175G>A on transcript NM_001291867.2 (MANE Select); coding-DNA position 1175, G replaced by A.
Protein change: p.Arg392Gln; replaces arginine 392 with glutamine.
Molecular consequence: missense variant.
Genome position (GRCh38, 1-based): chrX:17,724,365, G>A. VCF-style: chrX-17724365-G-A. GRCh37 (hg19) VCF-style: chrX-17742485-G-A.
Other names: c.644G>A, p.Arg215Gln (NM_001136024.4); c.581G>A, p.Arg194Gln (NM_001291868.2); c.1112G>A, p.Arg371Gln (NM_198270.4); short protein forms R371Q, R194Q, R215Q, R392Q.
Identifiers: ClinVar variation 208770 (VCV000208770.12), dbSNP rs372969054, ClinGen allele CA204863.

ClinVar aggregate classification (germline): Conflicting classifications of pathogenicity. Review status: criteria provided, conflicting classifications (1 of 4 stars). 4 submissions from 4 submitters: Uncertain significance (2); Benign (1); Likely benign (1). Last evaluated 2022-02-08.

Conditions:
Inborn genetic diseases. Identifiers: MedGen C0950123, MeSH D030342.
Nance-Horan syndrome (NHS). Identifiers: Orphanet 627, MedGen C0796085, MONDO:0010545, OMIM 302350.
Intellectual disability. Also called: Intellectual functioning disability; Intellectual developmental disorder; intellectual disabilities. Identifiers: MedGen C3714756, MeSH D008607, MONDO:0001071, HP:0001249.

Allele frequency attached by ClinVar (database versions not stated): gnomAD 0.00006 and 0.00007; gnomAD exomes 0.00017 and 0.00005; ExAC 0.00002; TOPMed 0.00006; ESP Exome Variant Server 0.00019.
gnomAD v4.1: 195 of 1,210,162 alleles (0.016%); highest among the groups gnomAD compares: Non-Finnish European, 0.021%; no homozygotes.

Submissions (4):

Labcorp Genetics (formerly Invitae), Labcorp
Classification: Benign for Nance-Horan syndrome. Last evaluated: 2022-02-08. Review status: criteria provided, single submitter. Criteria: Invitae Variant Classification Sherloc (09022015). Collection method: clinical testing. Allele origin: germline.

Cambridge Genomics Laboratory, East Genomic Laboratory Hub, NHS Genomic Medicine Service
Classification: Likely benign for Intellectual disability. Last evaluated: 2019-04-17. Review status: criteria provided, single submitter. Criteria: ACGS Best Practice Guidelines for Variant Classification in Rare Disease 2020. Collection method: clinical testing. Allele origin: germline. Affected: yes. Observed: 1 variant allele.

Eurofins Ntd Llc (ga)
Classification: Uncertain significance. Last evaluated: 2017-01-11. Review status: criteria provided, single submitter. Criteria: EGL Classification Definitions 2015. Collection method: clinical testing. Allele origin: germline. Observed: 2 variant alleles, 2 hemizygotes.

Ambry Genetics
Classification: Uncertain significance for Inborn genetic diseases. Last evaluated: 2015-06-25. Review status: criteria provided, single submitter. Criteria: Ambry Autosomal Dominant and X-Linked criteria (10/2015). Collection method: clinical testing. Allele origin: germline. Observed: 1 variant allele.
Comment: There is insufficient or conflicting evidence for classification of this alteration.